The following is an entry in ClinVar:

ClinVar aggregate classification (germline): Likely benign. Review status: criteria provided, multiple submitters, no conflicts (2 of 4 stars). 2 submissions from 2 submitters: Likely benign (2). Last evaluated 2026-05-01.

Allele frequency attached by ClinVar (database versions not stated): gnomAD 0.00001; TOPMed 0.00002; ExAC 0.00003; gnomAD exomes 0.00003.
gnomAD v4.1: 18 of 1,613,744 alleles (0.0011%); highest among the groups gnomAD compares: Admixed American, 0.027%; no homozygotes.

Submissions (2):

CeGaT Center for Human Genetics Tuebingen
Classification: Likely benign. Last evaluated: 2026-05-01. Review status: criteria provided, single submitter. Criteria: CeGaT Center For Human Genetics Tuebingen Variant Classification Criteria Version 2. Collection method: clinical testing. Allele origin: germline. Affected: yes. Observed: 1 variant allele.
Comment: FCHO1: BP4, BP7

Labcorp Genetics (formerly Invitae), Labcorp
Classification: Likely benign. Last evaluated: 2025-04-30. Review status: criteria provided, single submitter. Criteria: Invitae Variant Classification Sherloc (09022015). Collection method: clinical testing. Allele origin: germline.

NM_015122.3(FCHO1):c.2178G>A (p.Glu726=)

Gene: FCHO1 (FCH and mu domain containing endocytic adaptor 1; plus strand). Cytogenetic location: 19p13.11.
Variant type: single nucleotide variant.
Coding change: c.2178G>A on transcript NM_015122.3 (MANE Select); coding-DNA position 2178, G replaced by A.
Protein change: p.Glu726=; no amino-acid change (glutamic acid 726 retained).
Molecular consequence: synonymous variant. On other transcripts: non-coding transcript variant (35), intron variant (2).
Genome position (GRCh38, 1-based): chr19:17,784,187, G>A. VCF-style: chr19-17784187-G-A. GRCh37 (hg19) VCF-style: chr19-17894996-G-A.
Other names: c.2178G>A, p.Glu726= (NM_001161357.2, NM_001161358.2, NM_001384370.1 and 13 more transcripts); c.2028G>A, p.Glu676= (NM_001161359.2, NM_001384384.1, NM_001384385.1 and 1 more transcripts); c.2139G>A, p.Glu713= (NM_001384388.1, NM_001384389.1); c.2103G>A, p.Glu701= (NM_001384390.1); c.2061G>A, p.Glu687= (NM_001384392.1, NM_001384393.1, NM_001384394.1 and 1 more transcripts); c.1902G>A, p.Glu634= (NM_001384396.1, NM_001384397.1, NM_001384398.1 and 5 more transcripts); c.1857G>A, p.Glu619= (NM_001384403.1); c.1752G>A, p.Glu584= (NM_001384406.1); and 2 more.
Identifiers: ClinVar variation 2081777 (VCV002081777.6), dbSNP rs767568110, ClinGen allele CA9300781.